The following is an entry in ClinVar:

NM_018451.5(CPAP):c.2704C>T (p.Arg902Ter)

Gene: CPAP (centrosome assembly and centriole elongation protein; minus strand). Cytogenetic location: 13q12.13.
Variant type: single nucleotide variant.
Coding change: c.2704C>T on transcript NM_018451.5 (MANE Select); coding-DNA position 2704, C replaced by T.
Protein change: p.Arg902Ter; replaces arginine 902 with a stop codon.
Molecular consequence: nonsense. On other transcripts: non-coding transcript variant (2).
Genome position (GRCh38, 1-based): chr13:24,904,047, G>A on the plus strand (C>T on the coding strand, the complement: CPAP is on the minus strand). VCF-style: chr13-24904047-G-A. GRCh37 (hg19) VCF-style: chr13-25478185-G-A.
Other names: short protein forms R902*.
Identifiers: ClinVar variation 503612 (VCV000503612.13), dbSNP rs374057641, ClinGen allele CA6919530.

ClinVar aggregate classification (germline): Pathogenic/Likely pathogenic. Review status: criteria provided, multiple submitters, no conflicts (2 of 4 stars). 2 submissions from 2 submitters: Pathogenic (1); Likely pathogenic (1). Last evaluated 2025-11-27.

Allele frequency attached by ClinVar (database versions not stated): TOPMed 0.00002; gnomAD 0.00003; gnomAD exomes 0.00003 and 0.00008; ExAC 0.00007; ESP Exome Variant Server 0.00008.
gnomAD v4.1: 44 of 1,613,668 alleles (0.0027%); highest among the groups gnomAD compares: Admixed American, 0.03%; no homozygotes.

Submissions (2):

Labcorp Genetics (formerly Invitae), Labcorp
Classification: Pathogenic. Last evaluated: 2025-11-27. Review status: criteria provided, single submitter. Criteria: Invitae Variant Classification Sherloc (09022015). Collection method: clinical testing. Allele origin: germline.
Comment: This sequence change creates a premature translational stop signal (p.Arg902*) in the CENPJ gene. It is expected to result in an absent or disrupted protein product. Loss-of-function variants in CENPJ are known to be pathogenic (PMID: 15793586, 16900296, 20522431). This variant is present in population databases (rs374057641, gnomAD 0.05%). This variant has not been reported in the literature in individuals affected with CENPJ-related conditions. ClinVar contains an entry for this variant (Variation ID: 503612). For these reasons, this variant has been classified as Pathogenic.

GeneDx
Classification: Likely pathogenic. Last evaluated: 2025-03-02. Review status: criteria provided, single submitter. Criteria: GeneDx Variant Classification Process June 2021. Collection method: clinical testing. Allele origin: germline. Affected: yes.
Comment: Nonsense variant predicted to result in protein truncation or nonsense mediated decay in a gene for which loss of function is a known mechanism of disease; Has not been previously published as pathogenic or benign to our knowledge; This variant is associated with the following publications: (PMID: 31589614)

Literature cited by the submitters: PubMed 15793586 (cited by Labcorp Genetics (formerly Invitae), Labcorp); PubMed 16900296 (cited by Labcorp Genetics (formerly Invitae), Labcorp); PubMed 20522431 (cited by Labcorp Genetics (formerly Invitae), Labcorp).